The following is an entry in ClinVar:

NM_005633.4(SOS1):c.1559A>G (p.Asp520Gly)

Gene: SOS1 (SOS Ras/Rac guanine nucleotide exchange factor 1; minus strand). Cytogenetic location: 2p22.1.
Variant type: single nucleotide variant.
Coding change: c.1559A>G on transcript NM_005633.4 (MANE Select); coding-DNA position 1559, A replaced by G.
Protein change: p.Asp520Gly; replaces aspartic acid 520 with glycine.
Molecular consequence: missense variant.
Genome position (GRCh38, 1-based): chr2:39,022,869, T>C on the plus strand (A>G on the coding strand, the complement: SOS1 is on the minus strand). VCF-style: chr2-39022869-T-C. GRCh37 (hg19) VCF-style: chr2-39250010-T-C.
Other names: c.1538A>G, p.Asp513Gly (NM_001382394.1); c.1559A>G, p.Asp520Gly (NM_001382395.1); short protein forms D513G, D520G.
Identifiers: ClinVar variation 4779498 (VCV004779498.1).

ClinVar aggregate classification (germline): Uncertain significance (1 of 4 stars; one submission).

Conditions:
RASopathy. Also called: Noonan spectrum disorder; rasopathies. Identifiers: Orphanet 536391, MedGen C5555857, MONDO:0021060.

Submission:

Labcorp Genetics (formerly Invitae), Labcorp
Classification: Uncertain significance for RASopathy. Last evaluated: 2025-04-23. Review status: criteria provided, single submitter. Criteria: Invitae Variant Classification Sherloc (09022015). Collection method: clinical testing. Allele origin: germline.
Comment: This sequence change replaces aspartic acid, which is acidic and polar, with glycine, which is neutral and non-polar, at codon 520 of the SOS1 protein (p.Asp520Gly). This variant is present in population databases (no rsID available, gnomAD 0.0009%). This variant has not been reported in the literature in individuals affected with SOS1-related conditions. Invitae Evidence Modeling of protein sequence and biophysical properties (such as structural, functional, and spatial information, amino acid conservation, physicochemical variation, residue mobility, and thermodynamic stability) indicates that this missense variant is expected to disrupt SOS1 protein function with a positive predictive value of 95%. In summary, the available evidence is currently insufficient to determine the role of this variant in disease. Therefore, it has been classified as a Variant of Uncertain Significance.